The following is an entry in ClinVar:

NM_024928.5(STN1):c.340A>G (p.Lys114Glu)

Gene: STN1 (STN1 subunit of CST complex; minus strand). Cytogenetic location: 10q24.33.
Variant type: single nucleotide variant.
Coding change: c.340A>G on transcript NM_024928.5 (MANE Select); coding-DNA position 340, A replaced by G.
Protein change: p.Lys114Glu; replaces lysine 114 with glutamic acid.
Molecular consequence: missense variant.
Genome position (GRCh38, 1-based): chr10:103,900,179, T>C on the plus strand (A>G on the coding strand, the complement: STN1 is on the minus strand). VCF-style: chr10-103900179-T-C. GRCh37 (hg19) VCF-style: chr10-105659937-T-C.
Other names: short protein forms K114E.
Identifiers: ClinVar variation 1369334 (VCV001369334.8), dbSNP rs1166657205, ClinGen allele CA378047463.

ClinVar aggregate classification (germline): Uncertain significance (1 of 4 stars; one submission).

Submission:

Labcorp Genetics (formerly Invitae), Labcorp
Classification: Uncertain significance. Last evaluated: 2021-03-28. Review status: criteria provided, single submitter. Criteria: Invitae Variant Classification Sherloc (09022015). Collection method: clinical testing. Allele origin: germline.
Comment: In summary, the available evidence is currently insufficient to determine the role of this variant in disease. Therefore, it has been classified as a Variant of Uncertain Significance. Algorithms developed to predict the effect of missense changes on protein structure and function output the following: SIFT: "Tolerated"; PolyPhen-2: "Benign"; Align-GVGD: "Class C0". The glutamic acid amino acid residue is found in multiple mammalian species, suggesting that this missense change does not adversely affect protein function. These predictions have not been confirmed by published functional studies and their clinical significance is uncertain. This variant has not been reported in the literature in individuals with STN1-related conditions. This variant is not present in population databases (ExAC no frequency). This sequence change replaces lysine with glutamic acid at codon 114 of the STN1 protein (p.Lys114Glu). The lysine residue is moderately conserved and there is a small physicochemical difference between lysine and glutamic acid.